The following is an entry in ClinVar:

NM_003482.4(KMT2D):c.14253C>T (p.Val4751=)

Gene: KMT2D (lysine methyltransferase 2D; minus strand). Cytogenetic location: 12q13.12.
Variant type: single nucleotide variant.
Coding change: c.14253C>T on transcript NM_003482.4 (MANE Select); coding-DNA position 14253, C replaced by T.
Protein change: p.Val4751=; no amino-acid change (valine 4751 retained).
Molecular consequence: synonymous variant.
Genome position (GRCh38, 1-based): chr12:49,028,957, G>A on the plus strand (C>T on the coding strand, the complement: KMT2D is on the minus strand). VCF-style: chr12-49028957-G-A. GRCh37 (hg19) VCF-style: chr12-49422740-G-A.
Other names: c.14253C>T (NM_003482.3).
Identifiers: ClinVar variation 1616075 (VCV001616075.10), dbSNP rs754623221, ClinGen allele CA6545785.
Genomic context (GRCh38, chr12:49,028,957, plus strand): 5'-GACAGGCAGCTTTCCAGGGACCTCCAGGCCAAGGGCCCCATAAGGTTTGGTATCTGGGAA[G>A]ACTGAATGAGAAAGAGGAATTTGTGTAACACTTGGCCGCCTCTCCCCCAGCTTCGGACAA-3'
Protein context (NP_003473.3, residues 4741-4761): IPLIPRASIP[Val4751=]FPDTKPYGAL

ClinVar aggregate classification (germline): Likely benign. Review status: criteria provided, single submitter (1 of 4 stars). 2 submissions from 2 submitters: Likely benign (1). 1 of the submissions does not count toward it. Last evaluated 2026-01-12.

Conditions:
KMT2D-related disorder. Also called: KMT2D-Related Disorders.
Kabuki syndrome. Also called: Kabuki make-up syndrome; NIIKAWA-KUROKI SYNDROME. Identifiers: Orphanet 2322, MedGen C0796004, MONDO:0016512.

Allele frequency attached by ClinVar (database versions not stated): gnomAD 0.00001; gnomAD exomes 0.00001 and 0.00002; TOPMed 0.00001; ExAC 0.00002.
gnomAD v4.1: 18 of 1,613,602 alleles (0.0011%); highest among the groups gnomAD compares: Admixed American, 0.005%; no homozygotes.

Submissions (2):

Labcorp Genetics (formerly Invitae), Labcorp
Classification: Likely benign for Kabuki syndrome. Last evaluated: 2026-01-12. Review status: criteria provided, single submitter. Criteria: Invitae Variant Classification Sherloc (09022015). Collection method: clinical testing. Allele origin: germline.

PreventionGenetics, part of Exact Sciences
Classification: Likely benign for KMT2D-related condition. Last evaluated: 2021-07-26. Review status: no assertion criteria provided. Collection method: clinical testing. Allele origin: germline. Not counted in ClinVar's aggregate classification.
Comment: This variant is classified as likely benign based on ACMG/AMP sequence variant interpretation guidelines (Richards et al. 2015 PMID: 25741868, with internal and published modifications).